The following is an entry in ClinVar:

ClinVar aggregate classification (germline): Uncertain significance (0 of 4 stars; one submission).

Conditions:
PCNT-related disorder. Also called: PCNT-related condition.

Submission:

PreventionGenetics, part of Exact Sciences
Classification: Uncertain significance for PCNT-related condition. Last evaluated: 2024-05-03. Review status: no assertion criteria provided. Collection method: clinical testing. Allele origin: germline.
Comment: The PCNT c.9260G>A variant is predicted to result in the amino acid substitution p.Gly3087Asp. To our knowledge, this variant has not been reported in the literature or in a large population database, indicating this variant is rare. At this time, the clinical significance of this variant is uncertain due to the absence of conclusive functional and genetic evidence.

NM_006031.6(PCNT):c.9260G>A (p.Gly3087Asp)

Gene: PCNT (pericentrin; plus strand). Cytogenetic location: 21q22.3.
Variant type: single nucleotide variant.
Coding change: c.9260G>A on transcript NM_006031.6 (MANE Select); coding-DNA position 9260, G replaced by A.
Protein change: p.Gly3087Asp; replaces glycine 3087 with aspartic acid.
Molecular consequence: missense variant.
Genome position (GRCh38, 1-based): chr21:46,438,324, G>A. VCF-style: chr21-46438324-G-A. GRCh37 (hg19) VCF-style: chr21-47858237-G-A.
Other names: c.8669G>A, p.Gly2890Asp (NM_001315529.2); short protein forms G2890D, G3087D.
Identifiers: ClinVar variation 3356665 (VCV003356665.1).